The following is an entry in ClinVar:

NM_001394372.1(BICRA):c.2370C>G (p.His790Gln)

Gene: BICRA (BRD4 interacting chromatin remodeling complex associated protein; plus strand). Cytogenetic location: 19q13.33.
Variant type: single nucleotide variant.
Coding change: c.2370C>G on transcript NM_001394372.1 (MANE Select); coding-DNA position 2370, C replaced by G.
Protein change: p.His790Gln; replaces histidine 790 with glutamine.
Molecular consequence: missense variant.
Genome position (GRCh38, 1-based): chr19:47,694,201, C>G. VCF-style: chr19-47694201-C-G. GRCh37 (hg19) VCF-style: chr19-48197458-C-G.
Other names: c.2370C>G, p.His790Gln (NM_015711.3); short protein forms H790Q.
Identifiers: ClinVar variation 1701716 (VCV001701716.1), dbSNP rs2123605781, ClinGen allele CA406620310.

ClinVar aggregate classification (germline): Uncertain significance (1 of 4 stars; one submission).

Conditions:
Coffin-Siris syndrome 12. Identifiers: MedGen C5444111, MONDO:0025699, OMIM 619325.

Submission:

New York Genome Center
Classification: Uncertain significance for Coffin-Siris syndrome 12. Last evaluated: 2022-02-15. Review status: criteria provided, single submitter. Criteria: NYGC Assertion Criteria 2020. Collection method: clinical testing. Allele origin: de novo. Observed: 1 heterozygote. Study: CSER-NYCKidSeq.
Comment: The de novo c.2370C>G variant in BICRA has not previously been reported in the literature or public variant repositories(ClinVar and LOVD), and is absent from population databases (gnomAD v2.1.1 and v3.1.2, TOPMed Freeze 8), suggesting it is not a common benign variant in the populations represented in those databases. The c.2370C>G variant is located in exon 8 of this 15-exon gene, and predicted to replace a weakly conserved histidine amino acid with glutamine at position 790 (p.(His790Gln)) in a non-specific region of the encoded protein. In silico predictions are not in favor of a damaging effect for p.(His790Gln) [(CADD v1.6 = 13.54, REVEL = 0.014]. Based on available evidence this de novo c.2370C>G p.(His790Gln) variant identified in BICRA is classified as a Variant of Uncertain Significance.